The following is an entry in ClinVar:

ClinVar aggregate classification (germline): Uncertain significance. Review status: criteria provided, multiple submitters, no conflicts (2 of 4 stars). 2 submissions from 2 submitters: Uncertain significance (2). Last evaluated 2025-03-12.

Conditions:
Hereditary cancer-predisposing syndrome. Also called: Neoplastic Syndromes, Hereditary; Hereditary neoplastic syndrome; Hereditary Cancer Syndrome; Tumor predisposition. Identifiers: Orphanet 140162, MedGen C0027672, MeSH D009386, MONDO:0015356.
Birt-Hogg-Dube syndrome. Also called: Birt Hogg Dubé syndrome. Identifiers: Orphanet 122, MedGen C0346010, MONDO:0800444.

Allele frequency attached by ClinVar (database versions not stated): gnomAD exomes below 0.00001.
gnomAD v4.1: 1 of 1,614,194 alleles (0.000062%); highest among the groups gnomAD compares: Middle Eastern, 0.016%; no homozygotes.

Submissions (2):

Labcorp Genetics (formerly Invitae), Labcorp
Classification: Uncertain significance for Birt-Hogg-Dube syndrome. Last evaluated: 2025-03-12. Review status: criteria provided, single submitter. Criteria: Invitae Variant Classification Sherloc (09022015). Collection method: clinical testing. Allele origin: germline.
Comment: This sequence change replaces proline, which is neutral and non-polar, with serine, which is neutral and polar, at codon 572 of the FLCN protein (p.Pro572Ser). This variant is present in population databases (no rsID available, gnomAD no frequency). This variant has not been reported in the literature in individuals affected with FLCN-related conditions. ClinVar contains an entry for this variant (Variation ID: 656775). An algorithm developed to predict the effect of missense changes on protein structure and function (PolyPhen-2) suggests that this variant is likely to be tolerated. In summary, the available evidence is currently insufficient to determine the role of this variant in disease. Therefore, it has been classified as a Variant of Uncertain Significance.

Ambry Genetics
Classification: Uncertain significance for Hereditary cancer-predisposing syndrome. Last evaluated: 2024-06-25. Review status: criteria provided, single submitter. Criteria: Ambry Variant Classification Scheme 2023. Collection method: clinical testing. Allele origin: germline.
Comment: The p.P572S variant (also known as c.1714C>T), located in coding exon 11 of the FLCN gene, results from a C to T substitution at nucleotide position 1714. The proline at codon 572 is replaced by serine, an amino acid with similar properties. This amino acid position is highly conserved in available vertebrate species. In addition, the in silico prediction for this alteration is inconclusive. Based on the available evidence, the clinical significance of this variant remains unclear.

NM_144997.7(FLCN):c.1714C>T (p.Pro572Ser)

Gene: FLCN (folliculin; minus strand). Cytogenetic location: 17p11.2.
Variant type: single nucleotide variant.
Coding change: c.1714C>T on transcript NM_144997.7 (MANE Select); coding-DNA position 1714, C replaced by T.
Protein change: p.Pro572Ser; replaces proline 572 with serine.
Molecular consequence: missense variant.
Genome position (GRCh38, 1-based): chr17:17,213,681, G>A on the plus strand (C>T on the coding strand, the complement: FLCN is on the minus strand). VCF-style: chr17-17213681-G-A. GRCh37 (hg19) VCF-style: chr17-17116995-G-A.
Other names: c.1714C>T (LRG_325t1); c.1768C>T, p.Pro590Ser (NM_001353229.2); c.1714C>T, p.Pro572Ser (NM_001353230.2, NM_001353231.2); short protein forms P590S, P572S.
Identifiers: ClinVar variation 656775 (VCV000656775.9), dbSNP rs1456319670, ClinGen allele CA398529795.